The following is an entry in ClinVar:

NM_006361.6(HOXB13):c.323C>T (p.Ala108Val)

Gene: HOXB13 (homeobox B13; minus strand). Cytogenetic location: 17q21.32.
Variant type: single nucleotide variant.
Coding change: c.323C>T on transcript NM_006361.6 (MANE Select); coding-DNA position 323, C replaced by T.
Protein change: p.Ala108Val; replaces alanine 108 with valine.
Molecular consequence: missense variant.
Genome position (GRCh38, 1-based): chr17:48,728,271, G>A on the plus strand (C>T on the coding strand, the complement: HOXB13 is on the minus strand). VCF-style: chr17-48728271-G-A. GRCh37 (hg19) VCF-style: chr17-46805633-G-A.
Other names: short protein forms A108V.
Identifiers: ClinVar variation 483501 (VCV000483501.17), dbSNP rs774095240, ClinGen allele CA8634014.

ClinVar aggregate classification (germline): Uncertain significance. Review status: criteria provided, multiple submitters, no conflicts (2 of 4 stars). 3 submissions from 3 submitters: Uncertain significance (3). Last evaluated 2026-01-28.

Conditions:
Hereditary cancer-predisposing syndrome. Also called: Neoplastic Syndromes, Hereditary; Tumor predisposition; Hereditary Cancer Syndrome; Hereditary neoplastic syndrome. Identifiers: Orphanet 140162, MedGen C0027672, MeSH D009386, MONDO:0015356.

Allele frequency attached by ClinVar (database versions not stated): gnomAD exomes below 0.00001 and 0.00002; gnomAD 0.00002; TOPMed 0.00003; ExAC 0.00004.

Submissions (3):

Labcorp Genetics (formerly Invitae), Labcorp
Classification: Uncertain significance. Last evaluated: 2026-01-28. Review status: criteria provided, single submitter. Criteria: Invitae Variant Classification Sherloc (09022015). Collection method: clinical testing. Allele origin: germline.
Comment: This sequence change replaces alanine, which is neutral and non-polar, with valine, which is neutral and non-polar, at codon 108 of the HOXB13 protein (p.Ala108Val). This variant is present in population databases (rs774095240, gnomAD 0.03%). This variant has not been reported in the literature in individuals affected with HOXB13-related conditions. ClinVar contains an entry for this variant (Variation ID: 483501). Invitae Evidence Modeling of protein sequence and biophysical properties (such as structural, functional, and spatial information, amino acid conservation, physicochemical variation, residue mobility, and thermodynamic stability) indicates that this missense variant is not expected to disrupt HOXB13 protein function with a negative predictive value of 80%. In summary, the available evidence is currently insufficient to determine the role of this variant in disease. Therefore, it has been classified as a Variant of Uncertain Significance.

Ambry Genetics
Classification: Uncertain significance for Hereditary cancer-predisposing syndrome. Last evaluated: 2025-09-22. Review status: criteria provided, single submitter. Criteria: Ambry Variant Classification Scheme 2023. Collection method: clinical testing. Allele origin: germline.
Comment: The p.A108V variant (also known as c.323C>T), located in coding exon 1 of the HOXB13 gene, results from a C to T substitution at nucleotide position 323. The alanine at codon 108 is replaced by valine, an amino acid with similar properties. This amino acid position is not well conserved in available vertebrate species. In addition, this alteration is predicted to be tolerated by in silico analysis. Since supporting evidence is limited at this time, the clinical significance of this alteration remains unclear.

Quest Diagnostics Nichols Institute San Juan Capistrano
Classification: Uncertain significance. Last evaluated: 2022-11-29. Review status: criteria provided, single submitter. Criteria: Quest Diagnostics criteria. Collection method: clinical testing. Allele origin: unknown.
Comment: To the best of our knowledge, the variant has not been reported in the published literature. The frequency of this variant in the general population, 0.00025 (4/16078 chromosomes in African/African American subpopulation), is higher than would generally be expected for pathogenic variants in this gene. Analysis of this variant using bioinformatics tools for the prediction of the effect of amino acid changes on protein structure and function yielded predictions that this variant is benign. Based on the available information, we are unable to determine the clinical significance of this variant.